The following is an entry in ClinVar:

NM_000083.3(CLCN1):c.2542C>G (p.Leu848Val)

Gene: CLCN1 (chloride voltage-gated channel 1; plus strand). Cytogenetic location: 7q34.
Variant type: single nucleotide variant.
Coding change: c.2542C>G on transcript NM_000083.3 (MANE Select); coding-DNA position 2542, C replaced by G.
Protein change: p.Leu848Val; replaces leucine 848 with valine.
Molecular consequence: missense variant. On other transcripts: non-coding transcript variant (1).
Genome position (GRCh38, 1-based): chr7:143,350,601, C>G. VCF-style: chr7-143350601-C-G. GRCh37 (hg19) VCF-style: chr7-143047694-C-G.
Other names: short protein forms L848V.
Identifiers: ClinVar variation 2922270 (VCV002922270.3), dbSNP rs1482476297, ClinGen allele CA369653203.

ClinVar aggregate classification (germline): Uncertain significance (1 of 4 stars; one submission).

Conditions:
Congenital myotonia, autosomal dominant form (THD). Also called: THOMSEN DISEASE; Myotonia congenita autosomal dominant. Identifiers: Orphanet 614, MedGen C2936781, MONDO:0008055, OMIM 160800.
Congenital myotonia, autosomal recessive form. Also called: BECKER DISEASE; Becker Generalized Myotonia; myotonia congenita, autosomal recessive. Identifiers: Orphanet 614, MedGen C0751360, MONDO:0009715, OMIM 255700.

Submission:

Labcorp Genetics (formerly Invitae), Labcorp
Classification: Uncertain significance for Congenital myotonia, autosomal recessive form; Congenital myotonia, autosomal dominant form. Last evaluated: 2024-01-26. Review status: criteria provided, single submitter. Criteria: Invitae Variant Classification Sherloc (09022015). Collection method: clinical testing. Allele origin: germline.
Comment: This sequence change replaces leucine, which is neutral and non-polar, with valine, which is neutral and non-polar, at codon 848 of the CLCN1 protein (p.Leu848Val). This variant is not present in population databases (gnomAD no frequency). This variant has not been reported in the literature in individuals affected with CLCN1-related conditions. Advanced modeling of protein sequence and biophysical properties (such as structural, functional, and spatial information, amino acid conservation, physicochemical variation, residue mobility, and thermodynamic stability) has been performed at Invitae for this missense variant, however the output from this modeling did not meet the statistical confidence thresholds required to predict the impact of this variant on CLCN1 protein function. In summary, the available evidence is currently insufficient to determine the role of this variant in disease. Therefore, it has been classified as a Variant of Uncertain Significance.